The following is an entry in ClinVar:

ClinVar aggregate classification (germline): Uncertain significance (1 of 4 stars; one submission).

Allele frequency attached by ClinVar (database versions not stated): gnomAD exomes below 0.00001.
gnomAD v4.1: 2 of 1,613,988 alleles (0.00012%); highest among the groups gnomAD compares: Non-Finnish European, 0.00017%; no homozygotes.

Submission:

Labcorp Genetics (formerly Invitae), Labcorp
Classification: Uncertain significance. Last evaluated: 2022-08-21. Review status: criteria provided, single submitter. Criteria: Invitae Variant Classification Sherloc (09022015). Collection method: clinical testing. Allele origin: germline.
Comment: This sequence change replaces serine, which is neutral and polar, with asparagine, which is neutral and polar, at codon 421 of the SMARCD2 protein (p.Ser421Asn). This variant is not present in population databases (gnomAD no frequency). This variant has not been reported in the literature in individuals affected with SMARCD2-related conditions. Algorithms developed to predict the effect of missense changes on protein structure and function (SIFT, PolyPhen-2, Align-GVGD) all suggest that this variant is likely to be tolerated. In summary, the available evidence is currently insufficient to determine the role of this variant in disease. Therefore, it has been classified as a Variant of Uncertain Significance.

NM_001098426.2(SMARCD2):c.1262G>A (p.Ser421Asn)

Gene: SMARCD2 (SWI/SNF related BAF chromatin remodeling complex subunit D2; minus strand). Cytogenetic location: 17q23.3.
Variant type: single nucleotide variant.
Coding change: c.1262G>A on transcript NM_001098426.2 (MANE Select); coding-DNA position 1262, G replaced by A.
Protein change: p.Ser421Asn; replaces serine 421 with asparagine.
Molecular consequence: missense variant.
Genome position (GRCh38, 1-based): chr17:63,833,642, C>T on the plus strand (G>A on the coding strand, the complement: SMARCD2 is on the minus strand). VCF-style: chr17-63833642-C-T. GRCh37 (hg19) VCF-style: chr17-61911002-C-T.
Other names: c.1037G>A, p.Ser346Asn (NM_001330439.1); c.1118G>A, p.Ser373Asn (NM_001330440.2); short protein forms S346N, S373N, S421N.
Identifiers: ClinVar variation 2101027 (VCV002101027.1), dbSNP rs2040224433, ClinGen allele CA400598780.